The following is an entry in ClinVar:

NM_004958.4(MTOR):c.7213G>A (p.Glu2405Lys)

Gene: MTOR (mechanistic target of rapamycin kinase; minus strand). Cytogenetic location: 1p36.22.
Variant type: single nucleotide variant.
Coding change: c.7213G>A on transcript NM_004958.4 (MANE Select); coding-DNA position 7213, G replaced by A.
Protein change: p.Glu2405Lys; replaces glutamic acid 2405 with lysine.
Molecular consequence: missense variant.
Genome position (GRCh38, 1-based): chr1:11,114,405, C>T on the plus strand (G>A on the coding strand, the complement: MTOR is on the minus strand). VCF-style: chr1-11114405-C-T. GRCh37 (hg19) VCF-style: chr1-11174462-C-T.
Other names: c.7213G>A, p.Glu2405Lys (NM_001386500.1); c.5965G>A, p.Glu1989Lys (NM_001386501.1); short protein forms E1989K, E2405K.
Identifiers: ClinVar variation 4799819 (VCV004799819.1).

ClinVar aggregate classification (germline): Uncertain significance (1 of 4 stars; one submission).

Submission:

Labcorp Genetics (formerly Invitae), Labcorp
Classification: Uncertain significance. Last evaluated: 2025-07-08. Review status: criteria provided, single submitter. Criteria: Invitae Variant Classification Sherloc (09022015). Collection method: clinical testing. Allele origin: germline.
Comment: This sequence change replaces glutamic acid, which is acidic and polar, with lysine, which is basic and polar, at codon 2405 of the MTOR protein (p.Glu2405Lys). This variant is not present in population databases (gnomAD no frequency). This variant has not been reported in the literature in individuals affected with MTOR-related conditions. Invitae Evidence Modeling of protein sequence and biophysical properties (such as structural, functional, and spatial information, amino acid conservation, physicochemical variation, residue mobility, and thermodynamic stability) indicates that this missense variant is not expected to disrupt MTOR protein function with a negative predictive value of 95%. In summary, the available evidence is currently insufficient to determine the role of this variant in disease. Therefore, it has been classified as a Variant of Uncertain Significance.